The following is an entry in ClinVar:

NM_015354.3(NUP188):c.4734T>G (p.Asp1578Glu)

Gene: NUP188 (nucleoporin 188; plus strand). Cytogenetic location: 9q34.11.
Variant type: single nucleotide variant.
Coding change: c.4734T>G on transcript NM_015354.3 (MANE Select); coding-DNA position 4734, T replaced by G.
Protein change: p.Asp1578Glu; replaces aspartic acid 1578 with glutamic acid.
Molecular consequence: missense variant.
Genome position (GRCh38, 1-based): chr9:129,005,527, T>G. VCF-style: chr9-129005527-T-G. GRCh37 (hg19) VCF-style: chr9-131767806-T-G.
Other names: short protein forms D1578E.
Identifiers: ClinVar variation 710211 (VCV000710211.28), dbSNP rs61751465, ClinGen allele CA5273427.

ClinVar aggregate classification (germline): Benign/Likely benign. Review status: criteria provided, multiple submitters, no conflicts (2 of 4 stars). 4 submissions from 4 submitters: Benign (2); Likely benign (1). 1 of the submissions does not count toward it. Last evaluated 2026-09-01.

Conditions:
NUP188-related disorder. Also called: NUP188-related condition.

Allele frequency attached by ClinVar (database versions not stated): 1000 Genomes Project 30x 0.00234; 1000 Genomes Project 0.00240; TOPMed 0.00445; gnomAD 0.00537 and 0.00555; gnomAD exomes 0.00629 and 0.00728; ESP Exome Variant Server 0.00692; ExAC 0.00767.
gnomAD v4.1: 11,282 of 1,608,008 alleles (0.7%); highest among the groups gnomAD compares: Non-Finnish European, 0.86%; 46 homozygotes.

Submissions (4):

CeGaT Center for Human Genetics Tuebingen
Classification: Likely benign. Last evaluated: 2026-09-01. Review status: criteria provided, single submitter. Criteria: CeGaT Center For Human Genetics Tuebingen Variant Classification Criteria Version 2. Collection method: clinical testing. Allele origin: germline. Affected: yes. Observed: 24 variant alleles.
Comment: NUP188: BS2

Labcorp Genetics (formerly Invitae), Labcorp
Classification: Benign. Last evaluated: 2018-07-20. Review status: criteria provided, single submitter. Criteria: Invitae Variant Classification Sherloc (09022015). Collection method: clinical testing. Allele origin: germline.

Breakthrough Genomics
Classification: Benign. Review status: criteria provided, single submitter. Criteria: ACMG Guidelines, 2015. Collection method: not provided. Allele origin: germline. Inheritance: Autosomal recessive inheritance. Affected: yes.

PreventionGenetics, part of Exact Sciences
Classification: Benign for NUP188-related condition. Last evaluated: 2019-02-28. Review status: no assertion criteria provided. Collection method: clinical testing. Allele origin: germline. Not counted in ClinVar's aggregate classification.
Comment: This variant is classified as benign based on ACMG/AMP sequence variant interpretation guidelines (Richards et al. 2015 PMID: 25741868, with internal and published modifications).